The following is an entry in ClinVar:

ClinVar aggregate classification (germline): Uncertain significance (1 of 4 stars; one submission).

Conditions:
Optic atrophy 10 with or without ataxia, impaired intellectual development, and seizures. Also called: OPTIC ATROPHY 10 WITH OR WITHOUT ATAXIA, MENTAL RETARDATION, AND SEIZURES; Optic atrophy 10 with or without ataxia, intellectual disability, and seizures. Identifiers: MedGen C4225227, MONDO:0020737, OMIM 616732.

Submission:

Diagnostics Services (NGS), CSIR - Centre For Cellular And Molecular Biology
Classification: Uncertain significance for Optic atrophy 10 with or without ataxia, impaired intellectual development, and seizures. Last evaluated: 2024-09-27. Review status: criteria provided, single submitter. Criteria: ACMG Guidelines, 2015. Collection method: clinical testing. Allele origin: germline. Affected: yes. Observed: 1 variant allele, 1 homozygote.
Comment: The c.743G>T variant is not present in publicly available population databases like 1000 Genomes, EVS, ExAC, gnomAD, Indian Exome Database or our in-house exome database. This variant has neither been published in the literature nor reported to the clinical databases like ClinVar, Human Genome Mutation Database (HGMD) or OMIM, in any affected individuals. In-silico pathogenicity prediction programs like SIFT, Polyphen-2, MutationTaster2, CADD etc predicted this variant to be likely deleterious, however these predictions were not confirmed by published functional studies.

NM_032730.5(RTN4IP1):c.743G>T (p.Gly248Val)

Gene: RTN4IP1 (reticulon 4 interacting protein 1; minus strand). Cytogenetic location: 6q21.
Variant type: single nucleotide variant.
Coding change: c.743G>T on transcript NM_032730.5 (MANE Select); coding-DNA position 743, G replaced by T.
Protein change: p.Gly248Val; replaces glycine 248 with valine.
Molecular consequence: missense variant.
Genome position (GRCh38, 1-based): chr6:106,592,227, C>A on the plus strand (G>T on the coding strand, the complement: RTN4IP1 is on the minus strand). VCF-style: chr6-106592227-C-A. GRCh37 (hg19) VCF-style: chr6-107040102-C-A.
Other names: c.443G>T, p.Gly148Val (NM_001318746.1); short protein forms G148V, G248V.
Identifiers: ClinVar variation 3367181 (VCV003367181.1).